The following is an entry in ClinVar:

ClinVar aggregate classification (germline): Uncertain significance (1 of 4 stars; one submission).

Submission:

ARUP Laboratories, Molecular Genetics and Genomics, ARUP Laboratories
Classification: Uncertain significance. Last evaluated: 2023-08-30. Review status: criteria provided, single submitter. Criteria: ARUP Molecular Germline Variant Investigation Process 2024. Collection method: clinical testing. Allele origin: germline.
Comment: The ELANE c.293T>G; p.Val98Gly variant, to our knowledge, is not reported in the medical literature or gene specific databases. This variant is also absent from the Genome Aggregation Database, indicating it is not a common polymorphism. Computational analyses are uncertain whether this variant is neutral or deleterious (REVEL: 0.338). Due to limited information, the clinical significance of this variant is uncertain at this time.

NM_001972.4(ELANE):c.293T>G (p.Val98Gly)

Gene: ELANE (elastase, neutrophil expressed; plus strand). Cytogenetic location: 19p13.3.
Variant type: single nucleotide variant.
Coding change: c.293T>G on transcript NM_001972.4 (MANE Select); coding-DNA position 293, T replaced by G.
Protein change: p.Val98Gly; replaces valine 98 with glycine.
Molecular consequence: missense variant.
Genome position (GRCh38, 1-based): chr19:853,330, T>G. VCF-style: chr19-853330-T-G. GRCh37 (hg19) VCF-style: chr19-853330-T-G.
Other names: short protein forms V98G.
Identifiers: ClinVar variation 2920756 (VCV002920756.1), dbSNP rs2145145146, ClinGen allele CA402916041.